The following is an entry in ClinVar:

NM_031935.3(HMCN1):c.9942G>A (p.Thr3314=)

Gene: HMCN1 (hemicentin 1; plus strand). Cytogenetic location: 1q31.1.
Variant type: single nucleotide variant.
Coding change: c.9942G>A on transcript NM_031935.3 (MANE Select); coding-DNA position 9942, G replaced by A.
Protein change: p.Thr3314=; no amino-acid change (threonine 3314 retained).
Molecular consequence: synonymous variant.
Genome position (GRCh38, 1-based): chr1:186,093,188, G>A. VCF-style: chr1-186093188-G-A. GRCh37 (hg19) VCF-style: chr1-186062320-G-A.
Identifiers: ClinVar variation 294218 (VCV000294218.19), dbSNP rs75687673, ClinGen allele CA1293595.
Genomic context (GRCh38, chr1:186,093,188, plus strand): 5'-CCGTAGAGTGAGTGCAAATGGCAGCACATTAAACATTTATGGAGCTCTTACATCTGACAC[G>A]GGGAAATACACATGTGTTGCTACTAATCCCGCTGGAGAAGAAGACCGAATTTTTAACTTG-3'
Protein context (NP_114141.2, residues 3304-3324): LNIYGALTSD[Thr3314=]GKYTCVATNP

ClinVar aggregate classification (germline): Benign/Likely benign. Review status: criteria provided, multiple submitters, no conflicts (2 of 4 stars). 6 submissions from 6 submitters: Benign (4); Likely benign (1). 1 of the submissions does not count toward it. Last evaluated 2026-01-25.

Conditions:
HMCN1-related disorder. Also called: HMCN1-related condition.
Age related macular degeneration 1 (ARMD1). Also called: MACULOPATHY, AGE-RELATED, 1. Identifiers: MedGen C1864205, MONDO:0011285, OMIM 603075.

Allele frequency attached by ClinVar (database versions not stated): gnomAD exomes 0.00200; ExAC 0.00244; gnomAD 0.00785 and 0.00845; TOPMed 0.00898; ESP Exome Variant Server 0.00900; 1000 Genomes Project 0.00978; 1000 Genomes Project 30x 0.00999.
gnomAD v4.1: 2,565 of 1,613,198 alleles (0.16%); highest among the groups gnomAD compares: African/African-American, 2.7%; 25 homozygotes.

Submissions (6):

Labcorp Genetics (formerly Invitae), Labcorp
Classification: Benign. Last evaluated: 2026-01-25. Review status: criteria provided, single submitter. Criteria: Invitae Variant Classification Sherloc (09022015). Collection method: clinical testing. Allele origin: germline.

Blueprint Genetics
Classification: Likely benign. Last evaluated: 2024-10-29. Review status: criteria provided, single submitter. Criteria: ACMG Guidelines, 2015. Collection method: clinical testing. Allele origin: germline.

Genome-Nilou Lab
Classification: Benign for Age related macular degeneration 1. Last evaluated: 2023-04-11. Review status: criteria provided, single submitter. Criteria: ACMG Guidelines, 2015. Collection method: clinical testing. Allele origin: germline. Affected: no.

Illumina Laboratory Services, Illumina
Classification: Benign for Age related macular degeneration 1. Last evaluated: 2018-01-13. Review status: criteria provided, single submitter. Criteria: ICSL Variant Classification Criteria 13 December 2019. Collection method: clinical testing. Allele origin: germline.
Comment: This variant was observed in the ICSL laboratory as part of a predisposition screen in an ostensibly healthy population. It had not been previously curated by ICSL or reported in the Human Gene Mutation Database (HGMD: prior to June 1st, 2018), and was therefore a candidate for classification through an automated scoring system. Utilizing variant allele frequency, disease prevalence and penetrance estimates, and inheritance mode, an automated score was calculated to assess if this variant is too frequent to cause the disease. Based on the score and internal cut-off values, a variant classified as benign is not then subjected to further curation. The score for this variant resulted in a classification of benign for this disease.

Breakthrough Genomics
Classification: Benign. Review status: criteria provided, single submitter. Criteria: ACMG Guidelines, 2015. Collection method: not provided. Allele origin: germline. Inheritance: Autosomal dominant inheritance. Affected: yes.

PreventionGenetics, part of Exact Sciences
Classification: Benign for HMCN1-related condition. Last evaluated: 2019-05-02. Review status: no assertion criteria provided. Collection method: clinical testing. Allele origin: germline. Not counted in ClinVar's aggregate classification.
Comment: This variant is classified as benign based on ACMG/AMP sequence variant interpretation guidelines (Richards et al. 2015 PMID: 25741868, with internal and published modifications).